The following is an entry in ClinVar:

NM_018263.6(ASXL2):c.1232C>G (p.Ser411Cys)

Gene: ASXL2 (ASXL transcriptional regulator 2; minus strand). Cytogenetic location: 2p23.3.
Variant type: single nucleotide variant.
Coding change: c.1232C>G on transcript NM_018263.6 (MANE Select); coding-DNA position 1232, C replaced by G.
Protein change: p.Ser411Cys; replaces serine 411 with cysteine.
Molecular consequence: missense variant.
Genome position (GRCh38, 1-based): chr2:25,750,324, G>C on the plus strand (C>G on the coding strand, the complement: ASXL2 is on the minus strand). VCF-style: chr2-25750324-G-C. GRCh37 (hg19) VCF-style: chr2-25973193-G-C.
Other names: c.1058C>G, p.Ser353Cys (NM_001369346.1); c.452C>G, p.Ser151Cys (NM_001369347.1); short protein forms S353C, S411C, S151C.
Identifiers: ClinVar variation 2096156 (VCV002096156.4), dbSNP rs369212828, ClinGen allele CA346077225.

ClinVar aggregate classification (germline): Uncertain significance (1 of 4 stars; one submission).

Allele frequency attached by ClinVar (database versions not stated): gnomAD exomes below 0.00001.
gnomAD v4.1: 1 of 1,614,016 alleles (0.000062%); highest among the groups gnomAD compares: Admixed American, 0.0017%; no homozygotes.

Submission:

Labcorp Genetics (formerly Invitae), Labcorp
Classification: Uncertain significance. Last evaluated: 2022-06-08. Review status: criteria provided, single submitter. Criteria: Invitae Variant Classification Sherloc (09022015). Collection method: clinical testing. Allele origin: germline.
Comment: In summary, the available evidence is currently insufficient to determine the role of this variant in disease. Therefore, it has been classified as a Variant of Uncertain Significance. Algorithms developed to predict the effect of missense changes on protein structure and function are either unavailable or do not agree on the potential impact of this missense change (SIFT: "Tolerated"; PolyPhen-2: "Not Available"; Align-GVGD: "Class C0"). This variant has not been reported in the literature in individuals affected with ASXL2-related conditions. This variant is not present in population databases (gnomAD no frequency). This sequence change replaces serine, which is neutral and polar, with cysteine, which is neutral and slightly polar, at codon 411 of the ASXL2 protein (p.Ser411Cys).